The following is an entry in ClinVar:

NM_005228.5(EGFR):c.575C>T (p.Pro192Leu)

Gene: EGFR (epidermal growth factor receptor; plus strand). Cytogenetic location: 7p11.2.
Variant type: single nucleotide variant.
Coding change: c.575C>T on transcript NM_005228.5 (MANE Select); coding-DNA position 575, C replaced by T.
Protein change: p.Pro192Leu; replaces proline 192 with leucine.
Molecular consequence: missense variant. On other transcripts: intron variant (1).
Genome position (GRCh38, 1-based): chr7:55,151,309, C>T. VCF-style: chr7-55151309-C-T. GRCh37 (hg19) VCF-style: chr7-55219002-C-T.
Other names: c.440C>T, p.Pro147Leu (NM_001346897.2, NM_001346899.2); c.575C>T, p.Pro192Leu (NM_001346898.2, NM_201282.2, NM_201283.2 and 1 more transcripts); c.416C>T, p.Pro139Leu (NM_001346900.2); c.89-4521C>T (NM_001346941.2); short protein forms P147L, P192L, P139L.
Identifiers: ClinVar variation 1994228 (VCV001994228.4), dbSNP rs2535490223, ClinGen allele CA367576817.

ClinVar aggregate classification (germline): Uncertain significance (1 of 4 stars; one submission).

Conditions:
EGFR-related lung cancer (EGFR). Identifiers: MedGen CN130014.

Submission:

Labcorp Genetics (formerly Invitae), Labcorp
Classification: Uncertain significance for EGFR-related lung cancer. Last evaluated: 2024-09-28. Review status: criteria provided, single submitter. Criteria: Invitae Variant Classification Sherloc (09022015). Collection method: clinical testing. Allele origin: germline.
Comment: This sequence change replaces proline, which is neutral and non-polar, with leucine, which is neutral and non-polar, at codon 192 of the EGFR protein (p.Pro192Leu). This variant is not present in population databases (gnomAD no frequency). This variant has not been reported in the literature in individuals affected with EGFR-related conditions. ClinVar contains an entry for this variant (Variation ID: 1994228). Invitae Evidence Modeling of protein sequence and biophysical properties (such as structural, functional, and spatial information, amino acid conservation, physicochemical variation, residue mobility, and thermodynamic stability) indicates that this missense variant is not expected to disrupt EGFR protein function with a negative predictive value of 80%. In summary, the available evidence is currently insufficient to determine the role of this variant in disease. Therefore, it has been classified as a Variant of Uncertain Significance.